The following is an entry in ClinVar:

NM_031935.3(HMCN1):c.11956+3A>T

Gene: HMCN1 (hemicentin 1; plus strand). Cytogenetic location: 1q31.1.
Variant type: single nucleotide variant.
Coding change: c.11956+3A>T on transcript NM_031935.3 (MANE Select); 3 bases into the intron after coding-DNA position 11956, A replaced by T.
Molecular consequence: intron variant.
Genome position (GRCh38, 1-based): chr1:186,119,301, A>T. VCF-style: chr1-186119301-A-T. GRCh37 (hg19) VCF-style: chr1-186088433-A-T.
Identifiers: ClinVar variation 2119828 (VCV002119828.4), dbSNP rs763371577, ClinGen allele CA728681759.

ClinVar aggregate classification (germline): Uncertain significance (1 of 4 stars; one submission).

gnomAD v4.1: 3 of 1,607,636 alleles (0.00019%); highest among the groups gnomAD compares: African/African-American, 0.004%; no homozygotes.

Submission:

Labcorp Genetics (formerly Invitae), Labcorp
Classification: Uncertain significance. Last evaluated: 2023-08-04. Review status: criteria provided, single submitter. Criteria: Invitae Variant Classification Sherloc (09022015). Collection method: clinical testing. Allele origin: germline.
Comment: In summary, the available evidence is currently insufficient to determine the role of this variant in disease. Therefore, it has been classified as a Variant of Uncertain Significance. Variants that disrupt the consensus splice site are a relatively common cause of aberrant splicing (PMID: 17576681, 9536098). Algorithms developed to predict the effect of sequence changes on RNA splicing suggest that this variant may disrupt the consensus splice site. ClinVar contains an entry for this variant (Variation ID: 2119828). This variant has not been reported in the literature in individuals affected with HMCN1-related conditions. This variant is not present in population databases (gnomAD no frequency). This sequence change falls in intron 78 of the HMCN1 gene. It does not directly change the encoded amino acid sequence of the HMCN1 protein. It affects a nucleotide within the consensus splice site.

Literature cited by the submitters: PubMed 17576681; PubMed 9536098.